The following is an entry in ClinVar:

NM_057175.5(NAA15):c.1004A>G (p.Asp335Gly)

Gene: NAA15 (N-alpha-acetyltransferase 15, NatA auxiliary subunit; plus strand). Cytogenetic location: 4q31.1.
Variant type: single nucleotide variant.
Coding change: c.1004A>G on transcript NM_057175.5 (MANE Select); coding-DNA position 1004, A replaced by G.
Protein change: p.Asp335Gly; replaces aspartic acid 335 with glycine.
Molecular consequence: missense variant.
Genome position (GRCh38, 1-based): chr4:139,351,601, A>G. VCF-style: chr4-139351601-A-G. GRCh37 (hg19) VCF-style: chr4-140272755-A-G.
Other names: c.1004A>G, p.Asp335Gly (NM_001410842.1, NM_025085.2); short protein forms D335G.
Identifiers: ClinVar variation 2633181 (VCV002633181.1), dbSNP rs2530397616, ClinGen allele CA358261632.

ClinVar aggregate classification (germline): Uncertain significance (1 of 4 stars; one submission).

Conditions:
NAA15-related disorder.

Submission:

PreventionGenetics, part of Exact Sciences
Classification: Uncertain significance for NAA15-related condition. Last evaluated: 2023-04-25. Review status: criteria provided, single submitter. Criteria: ACMG Guidelines, 2015. Collection method: clinical testing. Allele origin: germline.
Comment: The NAA15 c.1004A>G variant is predicted to result in the amino acid substitution p.Asp335Gly. To our knowledge, this variant has not been reported in the literature or in a large population database, indicating this variant is rare. At this time, the clinical significance of this variant is uncertain due to the absence of conclusive functional and genetic evidence.